The following is an entry in ClinVar:

NM_006258.4(PRKG1):c.1299C>T (p.Ser433=)

Gene: PRKG1 (protein kinase cGMP-dependent 1; plus strand). Cytogenetic location: 10q21.1.
Variant type: single nucleotide variant.
Coding change: c.1299C>T on transcript NM_006258.4 (MANE Select); coding-DNA position 1299, C replaced by T.
Protein change: p.Ser433=; no amino-acid change (serine 433 retained).
Molecular consequence: synonymous variant.
Genome position (GRCh38, 1-based): chr10:52,271,475, C>T. VCF-style: chr10-52271475-C-T. GRCh37 (hg19) VCF-style: chr10-54031235-C-T.
Other names: c.1254C>T, p.Ser418= (NM_001098512.3, LRG_1135t2); c.1299C>T, p.Ser433= (LRG_1135t1).
Identifiers: ClinVar variation 264029 (VCV000264029.28), dbSNP rs145035655, ClinGen allele CA5503802.

ClinVar aggregate classification (germline): Benign/Likely benign. Review status: criteria provided, multiple submitters, no conflicts (2 of 4 stars). 7 submissions from 7 submitters: Benign (4); Likely benign (2). 1 of the submissions does not count toward it. Last evaluated 2025-12-09.

Conditions:
Familial thoracic aortic aneurysm and aortic dissection (TAAD). Also called: Thoracic aortic aneurysms and dissections. Identifiers: Orphanet 91387, MedGen C4707243, MONDO:0019625.
Aortic aneurysm, familial thoracic 8 (AAT8). Identifiers: MedGen C3809513, MONDO:0014187, OMIM 615436.
PRKG1-related disorder. Also called: PRKG1-related condition.

Allele frequency attached by ClinVar (database versions not stated): gnomAD exomes 0.00012; gnomAD 0.00123 and 0.00127; ESP Exome Variant Server 0.00146; TOPMed 0.00150; 1000 Genomes Project 0.00180; 1000 Genomes Project 30x 0.00203.
gnomAD v4.1: 367 of 1,612,354 alleles (0.023%); highest among the groups gnomAD compares: African/African-American, 0.44%; no homozygotes.

Submissions (7):

Labcorp Genetics (formerly Invitae), Labcorp
Classification: Benign for Aortic aneurysm, familial thoracic 8. Last evaluated: 2025-12-09. Review status: criteria provided, single submitter. Criteria: Invitae Variant Classification Sherloc (09022015). Collection method: clinical testing. Allele origin: germline.

ARUP Laboratories, Molecular Genetics and Genomics, ARUP Laboratories
Classification: Benign for Aortic aneurysm, familial thoracic 8. Last evaluated: 2025-07-14. Review status: criteria provided, single submitter. Criteria: ARUP Molecular Germline Variant Investigation Process 2024. Collection method: clinical testing. Allele origin: germline.

Molecular Diagnostic Laboratory for Inherited Cardiovascular Disease, Montreal Heart Institute
Classification: Benign. Last evaluated: 2025-04-09. Review status: criteria provided, single submitter. Criteria: ACMG Guidelines, 2015. Collection method: clinical testing. Allele origin: germline. Affected: no.

Women's Health and Genetics/Laboratory Corporation of America, LabCorp
Classification: Benign. Last evaluated: 2023-08-24. Review status: criteria provided, single submitter. Criteria: LabCorp Variant Classification Summary - May 2015. Collection method: clinical testing. Allele origin: germline.

GeneDx
Classification: Likely benign. Last evaluated: 2020-07-20. Review status: criteria provided, single submitter. Criteria: GeneDx Variant Classification Process June 2021. Collection method: clinical testing. Allele origin: germline. Affected: yes.

Ambry Genetics
Classification: Likely benign for Familial thoracic aortic aneurysm and aortic dissection. Last evaluated: 2015-05-21. Review status: criteria provided, single submitter. Criteria: Ambry Variant Classification Scheme 2023. Collection method: clinical testing. Allele origin: germline.

PreventionGenetics, part of Exact Sciences
Classification: Benign for PRKG1-related condition. Last evaluated: 2020-01-21. Review status: no assertion criteria provided. Collection method: clinical testing. Allele origin: germline. Not counted in ClinVar's aggregate classification.
Comment: This variant is classified as benign based on ACMG/AMP sequence variant interpretation guidelines (Richards et al. 2015 PMID: 25741868, with internal and published modifications).